The following is an entry in ClinVar:

NM_003235.5(TG):c.7082_7083insAAAA (p.Ala2362fs)

Gene: TG (thyroglobulin; plus strand). Cytogenetic location: 8q24.22.
Variant type: Insertion.
Coding change: c.7082_7083insAAAA on transcript NM_003235.5 (MANE Select); coding-DNA positions 7082 to 7083, AAAA inserted.
Protein change: p.Ala2362fs; shifts the reading frame from alanine 2362.
Molecular consequence: frameshift variant.
Genome position: GRCh38 VCF-style: chr8-133029866-C-CAAAA. GRCh37 (hg19) VCF-style: chr8-134042111-C-CAAAA.
Other names: short protein forms A2362fs.
Identifiers: ClinVar variation 3008457 (VCV003008457.3), dbSNP rs1836457113, ClinGen allele CA1821060230.

ClinVar aggregate classification (germline): Pathogenic (1 of 4 stars; one submission).

Submission:

Labcorp Genetics (formerly Invitae), Labcorp
Classification: Pathogenic. Last evaluated: 2023-08-18. Review status: criteria provided, single submitter. Criteria: Invitae Variant Classification Sherloc (09022015). Collection method: clinical testing. Allele origin: germline.
Comment: For these reasons, this variant has been classified as Pathogenic. Algorithms developed to predict the effect of sequence changes on RNA splicing suggest that this variant may disrupt the consensus splice site. This variant has not been reported in the literature in individuals affected with TG-related conditions. This sequence change creates a premature translational stop signal (p.Ala2362Lysfs*30) in the TG gene. It is expected to result in an absent or disrupted protein product. Loss-of-function variants in TG are known to be pathogenic (PMID: 19837936, 23164529). This variant is not present in population databases (gnomAD no frequency).

Literature cited by the submitters: PubMed 19837936; PubMed 23164529.